The following is an entry in ClinVar:

ClinVar aggregate classification (germline): Uncertain significance. Review status: criteria provided, multiple submitters, no conflicts (2 of 4 stars). 2 submissions from 2 submitters: Uncertain significance (2). Last evaluated 2025-12-04.

Conditions:
Muscular dystrophy-dystroglycanopathy (congenital with brain and eye anomalies), type a, 11 (MDDGA11). Also called: WALKER-WARBURG SYNDROME OR MUSCLE-EYE-BRAIN DISEASE, B3GALNT2-RELATED; Congenital muscular dystrophy-dystroglycanopathy with brain and eye anomalies, type A11; Muscular dystrophy-dystroglycanopathy (congenital with brain and eye anomalies, type A, 11. Identifiers: Orphanet 588, Orphanet 899, MedGen C3554638, MONDO:0014071, OMIM 615181.
Inborn genetic diseases. Identifiers: MedGen C0950123, MeSH D030342.

Allele frequency attached by ClinVar (database versions not stated): gnomAD exomes below 0.00001.
gnomAD v4.1: 1 of 1,614,064 alleles (0.000062%); highest among the groups gnomAD compares: Non-Finnish European, 0.000085%; no homozygotes.

Submissions (2):

Ambry Genetics
Classification: Uncertain significance for Inborn genetic diseases. Last evaluated: 2025-12-04. Review status: criteria provided, single submitter. Criteria: Ambry Variant Classification Scheme 2023. Collection method: clinical testing. Allele origin: germline.

Labcorp Genetics (formerly Invitae), Labcorp
Classification: Uncertain significance for Muscular dystrophy-dystroglycanopathy (congenital with brain and eye anomalies), type a, 11. Last evaluated: 2024-10-29. Review status: criteria provided, single submitter. Criteria: Invitae Variant Classification Sherloc (09022015). Collection method: clinical testing. Allele origin: germline.
Comment: This sequence change replaces histidine, which is basic and polar, with proline, which is neutral and non-polar, at codon 262 of the B3GALNT2 protein (p.His262Pro). This variant is not present in population databases (gnomAD no frequency). This variant has not been reported in the literature in individuals affected with B3GALNT2-related conditions. ClinVar contains an entry for this variant (Variation ID: 2201801). Invitae Evidence Modeling of protein sequence and biophysical properties (such as structural, functional, and spatial information, amino acid conservation, physicochemical variation, residue mobility, and thermodynamic stability) indicates that this missense variant is not expected to disrupt B3GALNT2 protein function with a negative predictive value of 80%. In summary, the available evidence is currently insufficient to determine the role of this variant in disease. Therefore, it has been classified as a Variant of Uncertain Significance.

NM_152490.5(B3GALNT2):c.785A>C (p.His262Pro)

Gene: B3GALNT2 (beta-1,3-N-acetylgalactosaminyltransferase 2; minus strand). Cytogenetic location: 1q42.3.
Variant type: single nucleotide variant.
Coding change: c.785A>C on transcript NM_152490.5 (MANE Select); coding-DNA position 785, A replaced by C.
Protein change: p.His262Pro; replaces histidine 262 with proline.
Molecular consequence: missense variant.
Genome position (GRCh38, 1-based): chr1:235,465,692, T>G on the plus strand (A>C on the coding strand, the complement: B3GALNT2 is on the minus strand). VCF-style: chr1-235465692-T-G. GRCh37 (hg19) VCF-style: chr1-235629009-T-G.
Other names: c.785A>C (NM_152490.2); c.908A>C, p.His303Pro (NM_001277155.3); short protein forms H303P, H262P.
Identifiers: ClinVar variation 2201801 (VCV002201801.5), dbSNP rs2527200607, ClinGen allele CA344961016.